The following is an entry in ClinVar:

NM_001036.6(RYR3):c.9831-8G>C

Gene: RYR3 (ryanodine receptor 3; plus strand). Cytogenetic location: 15q14.
Variant type: single nucleotide variant.
Coding change: c.9831-8G>C on transcript NM_001036.6 (MANE Select); 8 bases into the intron before coding-DNA position 9831, G replaced by C.
Molecular consequence: intron variant.
Genome position (GRCh38, 1-based): chr15:33,800,762, G>C. VCF-style: chr15-33800762-G-C. GRCh37 (hg19) VCF-style: chr15-34092963-G-C.
Other names: c.9831-8G>C (NM_001243996.4).
Identifiers: ClinVar variation 461992 (VCV000461992.14), dbSNP rs377437662, ClinGen allele CA7460637.

ClinVar aggregate classification (germline): Benign. Review status: criteria provided, single submitter (1 of 4 stars). 2 submissions from 2 submitters: Benign (1). 1 of the submissions does not count toward it. Last evaluated 2023-02-03.

Conditions:
Epileptic encephalopathy. Identifiers: MedGen C0543888, HP:0200134.
RYR3-related disorder. Also called: RYR3-related condition.

Allele frequency attached by ClinVar (database versions not stated): gnomAD exomes 0.00010 and 0.00022; ExAC 0.00027; 1000 Genomes Project 30x 0.00047; 1000 Genomes Project 0.00060; ESP Exome Variant Server 0.00085; gnomAD 0.00090 and 0.00098; TOPMed 0.00105.
gnomAD v4.1: 288 of 1,606,954 alleles (0.018%); highest among the groups gnomAD compares: African/African-American, 0.34%; 3 homozygotes.

Submissions (2):

Labcorp Genetics (formerly Invitae), Labcorp
Classification: Benign for Epileptic encephalopathy. Last evaluated: 2023-02-03. Review status: criteria provided, single submitter. Criteria: Invitae Variant Classification Sherloc (09022015). Collection method: clinical testing. Allele origin: germline.

PreventionGenetics, part of Exact Sciences
Classification: Likely benign for RYR3-related condition. Last evaluated: 2019-11-14. Review status: no assertion criteria provided. Collection method: clinical testing. Allele origin: germline. Not counted in ClinVar's aggregate classification.
Comment: This variant is classified as likely benign based on ACMG/AMP sequence variant interpretation guidelines (Richards et al. 2015 PMID: 25741868, with internal and published modifications).